The following is an entry in ClinVar:

NM_000138.5(FBN1):c.1604T>C (p.Leu535Ser)

Gene: FBN1 (fibrillin 1; minus strand). Cytogenetic location: 15q21.1.
Variant type: single nucleotide variant.
Coding change: c.1604T>C on transcript NM_000138.5 (MANE Select); coding-DNA position 1604, T replaced by C.
Protein change: p.Leu535Ser; replaces leucine 535 with serine.
Molecular consequence: missense variant.
Genome position (GRCh38, 1-based): chr15:48,510,154, A>G on the plus strand (T>C on the coding strand, the complement: FBN1 is on the minus strand). VCF-style: chr15-48510154-A-G. GRCh37 (hg19) VCF-style: chr15-48802351-A-G.
Other names: c.1604T>C (NM_000138.4); short protein forms L535S.
Identifiers: ClinVar variation 1373700 (VCV001373700.9), dbSNP rs754364317, ClinGen allele CA045286.

ClinVar aggregate classification (germline): Uncertain significance. Review status: criteria provided, multiple submitters, no conflicts (2 of 4 stars). 2 submissions from 2 submitters: Uncertain significance (2). Last evaluated 2025-03-26.

Conditions:
Marfan syndrome (MFS). Also called: Marfan syndrome type 1; Marfan's syndrome; FBN1-Related Marfan Syndrome; MARFAN SYNDROME, TYPE I; Marfan syndrome, classic. Identifiers: Orphanet 284963, Orphanet 558, MedGen C0024796, MONDO:0007947, OMIM 154700.
Familial thoracic aortic aneurysm and aortic dissection (TAAD). Also called: Thoracic aortic aneurysms and dissections. Identifiers: Orphanet 91387, MedGen C4707243, MONDO:0019625.

Allele frequency attached by ClinVar (database versions not stated): ExAC 0.00002; gnomAD exomes 0.00001 and below 0.00001.
gnomAD v4.1: 2 of 1,613,368 alleles (0.00012%); highest among the groups gnomAD compares: Admixed American, 0.0033%; no homozygotes.

Submissions (2):

GeneDx
Classification: Uncertain significance. Last evaluated: 2025-03-26. Review status: criteria provided, single submitter. Criteria: GeneDx Variant Classification Process June 2021. Collection method: clinical testing. Allele origin: germline. Affected: yes.
Comment: Not observed at significant frequency in large population cohorts (gnomAD); In silico analysis supports that this missense variant has a deleterious effect on protein structure/function; Has not been previously published as pathogenic or benign to our knowledge; This variant is associated with the following publications: (PMID: 12938084)

Labcorp Genetics (formerly Invitae), Labcorp
Classification: Uncertain significance for Marfan syndrome; Familial thoracic aortic aneurysm and aortic dissection. Last evaluated: 2021-07-28. Review status: criteria provided, single submitter. Criteria: Invitae Variant Classification Sherloc (09022015). Collection method: clinical testing. Allele origin: germline.
Comment: This variant has not been reported in the literature in individuals with FBN1-related conditions. Algorithms developed to predict the effect of missense changes on protein structure and function are either unavailable or do not agree on the potential impact of this missense change (SIFT: "Deleterious"; PolyPhen-2: "Benign"; Align-GVGD: "Class C0"). In summary, the available evidence is currently insufficient to determine the role of this variant in disease. Therefore, it has been classified as a Variant of Uncertain Significance. This variant is present in population databases (rs754364317, ExAC 0.02%). This sequence change replaces leucine with serine at codon 535 of the FBN1 protein (p.Leu535Ser). The leucine residue is highly conserved and there is a large physicochemical difference between leucine and serine.